The following is an entry in ClinVar:

NM_000451.4(SHOX):c.190G>C (p.Gly64Arg)

Gene: SHOX (SHOX homeobox; plus strand). Cytogenetic location: Yp11.2.
Variant type: single nucleotide variant.
Coding change: c.190G>C on transcript NM_000451.4 (MANE Select); coding-DNA position 190, G replaced by C.
Protein change: p.Gly64Arg; replaces glycine 64 with arginine.
Molecular consequence: missense variant.
Genome position (GRCh38, 1-based): chrX:631,087, G>C. VCF-style: chrX-631087-G-C. GRCh37 (hg19) VCF-style: chrX-591822-G-C.
Other names: c.190G>C, p.Gly64Arg (NM_006883.2); short protein forms G64R.
Identifiers: ClinVar variation 1685107 (VCV001685107.2), dbSNP rs371578837, ClinGen allele CA10329861.

ClinVar aggregate classification (germline): Uncertain significance. Review status: criteria provided, multiple submitters, no conflicts (2 of 4 stars). 2 submissions from 2 submitters: Uncertain significance (2). Last evaluated 2026-06-04.

Allele frequency attached by ClinVar (database versions not stated): gnomAD exomes 0.00002; gnomAD 0.00004; ExAC 0.00002; ESP Exome Variant Server 0.00008; TOPMed 0.00003.
gnomAD v4.1: 58 of 1,613,634 alleles (0.0036%); highest among the groups gnomAD compares: Non-Finnish European, 0.0045%; no homozygotes.

Submissions (2):

Women's Health and Genetics/Laboratory Corporation of America, LabCorp
Classification: Uncertain significance. Last evaluated: 2026-06-04. Review status: criteria provided, single submitter. Criteria: LabCorp Variant Classification Summary - May 2015. Collection method: clinical testing. Allele origin: germline.
Comment: Variant summary: SHOX c.190G>C (p.Gly64Arg) results in a non-conservative amino acid change in the encoded protein sequence. Algorithms developed to predict the effect of missense changes on protein structure and function are either unavailable or do not agree on the potential impact of this missense change. The variant allele was found at a frequency of 2e-05 in 250700 control chromosomes. The available data on variant occurrences in the general population are insufficient to allow any conclusion about variant significance. To our knowledge, no occurrence of c.190G>C in individuals affected with SHOX-related conditions and no experimental evidence demonstrating its impact on protein function have been reported. ClinVar contains an entry for this variant (Variation ID: 1685107). Based on the evidence outlined above, the variant was classified as uncertain significance.

Mendelics
Classification: Uncertain significance. Last evaluated: 2022-05-04. Review status: criteria provided, single submitter. Criteria: Mendelics Assertion Criteria 2019. Collection method: clinical testing. Allele origin: germline.